The following is an entry in ClinVar:

NM_001131016.2(CIZ1):c.2296-3C>T

Gene: CIZ1 (CDKN1A interacting zinc finger protein 1; minus strand). Cytogenetic location: 9q34.11.
Variant type: single nucleotide variant.
Coding change: c.2296-3C>T on transcript NM_001131016.2 (MANE Select); 3 bases into the intron before coding-DNA position 2296, C replaced by T.
Molecular consequence: intron variant.
Genome position (GRCh38, 1-based): chr9:128,167,167, G>A on the plus strand (C>T on the coding strand, the complement: CIZ1 is on the minus strand). VCF-style: chr9-128167167-G-A. GRCh37 (hg19) VCF-style: chr9-130929446-G-A.
Other names: c.2128-3C>T (NM_001131015.2); c.2296-3C>T (NM_012127.3); c.2464-3C>T (NM_001257975.2); c.1993-3C>T (NM_001257976.2); c.2056-3C>T (NM_001131018.2); c.2113-3C>T (NM_001131017.2).
Identifiers: ClinVar variation 4760107 (VCV004760107.1).

ClinVar aggregate classification (germline): Uncertain significance (1 of 4 stars; one submission).

Conditions:
Dystonic disorder. Also called: Dystonia. Identifiers: MedGen C0013421, MONDO:0003441, HP:0001332.

Submission:

Labcorp Genetics (formerly Invitae), Labcorp
Classification: Uncertain significance for Dystonic disorder. Last evaluated: 2025-12-19. Review status: criteria provided, single submitter. Criteria: Invitae Variant Classification Sherloc (09022015). Collection method: clinical testing. Allele origin: germline.
Comment: This sequence change falls in intron 14 of the CIZ1 gene. It does not directly change the encoded amino acid sequence of the CIZ1 protein. It affects a nucleotide within the consensus splice site. This variant is not present in population databases (gnomAD no frequency). This variant has not been reported in the literature in individuals affected with CIZ1-related conditions. Variants that disrupt the consensus splice site are a relatively common cause of aberrant splicing (PMID: 17576681, 9536098). Algorithms developed to predict the effect of sequence changes on RNA splicing suggest that this variant is not likely to affect RNA splicing. In summary, the available evidence is currently insufficient to determine the role of this variant in disease. Therefore, it has been classified as a Variant of Uncertain Significance.

Literature cited by the submitters: PubMed 17576681; PubMed 9536098.